The following is an entry in ClinVar:

NM_004168.4(SDHA):c.640A>G (p.Ser214Gly)

Gene: SDHA (succinate dehydrogenase complex flavoprotein subunit A; plus strand). Cytogenetic location: 5p15.33.
Variant type: single nucleotide variant.
Coding change: c.640A>G on transcript NM_004168.4 (MANE Select); coding-DNA position 640, A replaced by G.
Protein change: p.Ser214Gly; replaces serine 214 with glycine.
Molecular consequence: missense variant.
Genome position (GRCh38, 1-based): chr5:228,203, A>G. VCF-style: chr5-228203-A-G. GRCh37 (hg19) VCF-style: chr5-228318-A-G.
Other names: c.496A>G, p.Ser166Gly (NM_001294332.2); c.640A>G, p.Ser214Gly (NM_001330758.2); short protein forms S214G, S166G.
Identifiers: ClinVar variation 582812 (VCV000582812.13), dbSNP rs752144637, ClinGen allele CA3172932.

ClinVar aggregate classification (germline): Uncertain significance. Review status: criteria provided, multiple submitters, no conflicts (2 of 4 stars). 2 submissions from 2 submitters: Uncertain significance (2). Last evaluated 2025-09-16.

Conditions:
Hereditary cancer-predisposing syndrome. Also called: Neoplastic Syndromes, Hereditary; Tumor predisposition; Hereditary neoplastic syndrome; Hereditary Cancer Syndrome. Identifiers: Orphanet 140162, MedGen C0027672, MeSH D009386, MONDO:0015356.
Mitochondrial complex II deficiency, nuclear type 1. Also called: SUCCINATE CoQ REDUCTASE DEFICIENCY. Identifiers: Orphanet 3208, MedGen C5700310, MONDO:0100294, OMIM 252011.
Pheochromocytoma/paraganglioma syndrome 5. Also called: Paragangliomas 5; SDHA-Related Hereditary Paraganglioma-Pheochromocytoma Syndrome. Identifiers: Orphanet 29072, MedGen C3279992, MONDO:0013602, OMIM 614165.

Allele frequency attached by ClinVar (database versions not stated): gnomAD 0.00001; gnomAD exomes 0.00001 and 0.00003; TOPMed 0.00001; ExAC 0.00002.
gnomAD v4.1: 9 of 1,613,280 alleles (0.00056%); highest among the groups gnomAD compares: Admixed American, 0.015%; no homozygotes.

Submissions (2):

Labcorp Genetics (formerly Invitae), Labcorp
Classification: Uncertain significance for Pheochromocytoma/paraganglioma syndrome 5; Mitochondrial complex II deficiency, nuclear type 1. Last evaluated: 2025-09-16. Review status: criteria provided, single submitter. Criteria: Invitae Variant Classification Sherloc (09022015). Collection method: clinical testing. Allele origin: germline.
Comment: This sequence change replaces serine, which is neutral and polar, with glycine, which is neutral and non-polar, at codon 214 of the SDHA protein (p.Ser214Gly). This variant is present in population databases (rs752144637, gnomAD 0.01%). This variant has not been reported in the literature in individuals affected with SDHA-related conditions. ClinVar contains an entry for this variant (Variation ID: 582812). Invitae Evidence Modeling of protein sequence and biophysical properties (such as structural, functional, and spatial information, amino acid conservation, physicochemical variation, residue mobility, and thermodynamic stability) indicates that this missense variant is not expected to disrupt SDHA protein function with a negative predictive value of 95%. In summary, the available evidence is currently insufficient to determine the role of this variant in disease. Therefore, it has been classified as a Variant of Uncertain Significance.

Ambry Genetics
Classification: Uncertain significance for Hereditary cancer-predisposing syndrome. Last evaluated: 2024-04-20. Review status: criteria provided, single submitter. Criteria: Ambry Variant Classification Scheme 2023. Collection method: clinical testing. Allele origin: germline.
Comment: The p.S214G variant (also known as c.640A>G), located in coding exon 6 of the SDHA gene, results from an A to G substitution at nucleotide position 640. The serine at codon 214 is replaced by glycine, an amino acid with similar properties. This amino acid position is conserved. In addition, the in silico prediction for this alteration is inconclusive. Since supporting evidence is limited at this time, the clinical significance of this alteration remains unclear.